The following is an entry in ClinVar:

ClinVar aggregate classification (germline): Uncertain significance (1 of 4 stars; one submission).

Submission:

GeneDx
Classification: Uncertain significance. Last evaluated: 2025-05-29. Review status: criteria provided, single submitter. Criteria: GeneDx Variant Classification Process June 2021. Collection method: clinical testing. Allele origin: germline. Affected: yes.
Comment: Not observed at significant frequency in large population cohorts (gnomAD); In silico analysis suggests that this missense variant does not alter protein structure/function; Has not been previously published as pathogenic or benign to our knowledge

NM_003321.5(TUFM):c.761C>T (p.Ala254Val)

Gene: TUFM (Tu translation elongation factor, mitochondrial; minus strand). Cytogenetic location: 16p11.2.
Variant type: single nucleotide variant.
Coding change: c.761C>T on transcript NM_003321.5 (MANE Select); coding-DNA position 761, C replaced by T.
Protein change: p.Ala254Val; replaces alanine 254 with valine.
Molecular consequence: missense variant.
Genome position (GRCh38, 1-based): chr16:28,844,475, G>A on the plus strand (C>T on the coding strand, the complement: TUFM is on the minus strand). VCF-style: chr16-28844475-G-A. GRCh37 (hg19) VCF-style: chr16-28855796-G-A.
Other names: c.761C>T, p.Ala254Val (NM_001365360.2); short protein forms A254V.
Identifiers: ClinVar variation 4532534 (VCV004532534.1).